The following is an entry in ClinVar:

NM_001267550.2(TTN):c.51187T>C (p.Ser17063Pro)

Genes: TTN (titin; minus strand), TTN-AS1 (TTN antisense RNA 1; plus strand). Cytogenetic location: 2q31.2.
Variant type: single nucleotide variant.
Coding change: c.51187T>C on transcript NM_001267550.2 (MANE Select); coding-DNA position 51187, T replaced by C.
Protein change: p.Ser17063Pro; replaces serine 17063 with proline.
Molecular consequence: missense variant.
Genome position (GRCh38, 1-based): chr2:178,610,339, A>G on the plus strand (T>C on the coding strand, the complement: TTN is on the minus strand). VCF-style: chr2-178610339-A-G. GRCh37 (hg19) VCF-style: chr2-179475066-A-G.
Other names: p.S15422P:TCT>CCT; c.46264T>C, p.Ser15422Pro (NM_001256850.1); c.23992T>C, p.Ser7998Pro (NM_003319.4); c.43483T>C, p.Ser14495Pro (NM_133378.4); c.24367T>C, p.Ser8123Pro (NM_133432.3); c.24568T>C, p.Ser8190Pro (NM_133437.4); short protein forms S15422P, S17063P, S14495P, S8190P, S7998P, S8123P.
Identifiers: ClinVar variation 202692 (VCV000202692.2), dbSNP rs758563428, ClinGen allele CA309998.

ClinVar aggregate classification (germline): Uncertain significance (1 of 4 stars; one submission).

Allele frequency attached by ClinVar (database versions not stated): gnomAD exomes below 0.00001; ExAC 0.00001.
gnomAD v4.1: 2 of 1,612,782 alleles (0.00012%); highest among the groups gnomAD compares: South Asian, 0.0022%; no homozygotes.

Submission:

GeneDx
Classification: Uncertain significance. Last evaluated: 2014-07-02. Review status: criteria provided, single submitter. Criteria: GeneDx Variant Classification (06012015). Collection method: clinical testing. Allele origin: germline. Affected: yes.
Comment: Missense variants in the TTN gene are considered 'unclassified' if they are not previously reported in the literature and do not have >1% frequency in the population to be considered a polymorphism. Research indicates that truncating mutations in the TTN gene are expected to account for approximately 25% of familial and 18% of sporadic idiopathic DCM; however, truncating variants in the TTN gene have been reported in approximately 3% of reported control alleles. There has been little investigation into non-truncating variants. (Herman D et al. Truncations of titin causing dilated cardiomyopathy. N Eng J Med 366:619-628, 2012) The variant is found in CARDIOMYOPATHY panel(s).